The following is an entry in ClinVar:

NM_000051.4(ATM):c.8402G>A (p.Cys2801Tyr)

Genes: ATM (ATM serine/threonine kinase; plus strand), C11orf65 (chromosome 11 open reading frame 65; minus strand). Cytogenetic location: 11q22.3.
Variant type: single nucleotide variant.
Coding change: c.8402G>A on transcript NM_000051.4 (MANE Select); coding-DNA position 8402, G replaced by A.
Protein change: p.Cys2801Tyr; replaces cysteine 2801 with tyrosine.
Molecular consequence: missense variant. On other transcripts: intron variant (2).
Genome position (GRCh38, 1-based): chr11:108,343,355, G>A. VCF-style: chr11-108343355-G-A. GRCh37 (hg19) VCF-style: chr11-108214082-G-A.
Other names: c.8402G>A, p.Cys2801Tyr (NM_001351834.2); c.641-34284C>T (NM_001330368.2); c.695-8063C>T (NM_001351110.2); short protein forms C2801Y.
Identifiers: ClinVar variation 1763256 (VCV001763256.2), dbSNP rs2136952675, ClinGen allele CA382516722.
Genomic context (GRCh38, chr11:108,343,355, plus strand): 5'-TTAACAATGAAGATGGTGCTCATAAAAGATACAGGCCAAATGATTTCAGTGCCTTTCAGT[G>A]CCAAAAGAAAATGATGGTGAGTGACACCCAAAATTAAAGGTTATTGTAAGATTATTTAAT-3'
Protein context (NP_000042.3, residues 2791-2811): YRPNDFSAFQ[Cys2801Tyr]QKKMMEVQKK

ClinVar aggregate classification (germline): Uncertain significance (1 of 4 stars; one submission).

Conditions:
Hereditary cancer-predisposing syndrome. Also called: Hereditary neoplastic syndrome; Neoplastic Syndromes, Hereditary; Tumor predisposition; Hereditary Cancer Syndrome. Identifiers: Orphanet 140162, MedGen C0027672, MeSH D009386, MONDO:0015356.

Submission:

Ambry Genetics
Classification: Uncertain significance for Hereditary cancer-predisposing syndrome. Last evaluated: 2020-01-10. Review status: criteria provided, single submitter. Criteria: Ambry Variant Classification Scheme 2023. Collection method: clinical testing. Allele origin: germline.
Comment: The p.C2801Y variant (also known as c.8402G>A), located in coding exon 56 of the ATM gene, results from a G to A substitution at nucleotide position 8402. The cysteine at codon 2801 is replaced by tyrosine, an amino acid with highly dissimilar properties. This amino acid position is highly conserved in available vertebrate species. In addition, this alteration is predicted to be deleterious by in silico analysis. Since supporting evidence is limited at this time, the clinical significance of this alteration remains unclear.